The following is an entry in ClinVar:

ClinVar aggregate classification (germline): Benign/Likely benign. Review status: criteria provided, multiple submitters, no conflicts (2 of 4 stars). 6 submissions from 6 submitters: Benign (1); Likely benign (5). Last evaluated 2026-05-15.

Conditions:
Hereditary cancer-predisposing syndrome. Also called: Hereditary Cancer Syndrome; Hereditary neoplastic syndrome; Neoplastic Syndromes, Hereditary; Tumor predisposition. Identifiers: Orphanet 140162, MedGen C0027672, MeSH D009386, MONDO:0015356.
Cardiovascular phenotype. Identifiers: MedGen CN230736.
Neurofibromatosis, type 1 (NF1). Also called: Neurofibromatosis, type I; VON RECKLINGHAUSEN DISEASE; NEUROFIBROMATOSIS, TYPE I, SOMATIC; Peripheral type neurofibromatosis. Identifiers: Orphanet 636, MedGen C0027831, MONDO:0018975, OMIM 162200. Disease mechanism: loss of function.

Allele frequency attached by ClinVar (database versions not stated): gnomAD exomes 0.00001 and below 0.00001; gnomAD 0.00001; TOPMed 0.00001; ExAC 0.00001.
gnomAD v4.1: 5 of 1,613,824 alleles (0.00031%); highest among the groups gnomAD compares: Admixed American, 0.005%; no homozygotes.

Submissions (6):

Myriad Genetics, Inc.
Classification: Benign for Neurofibromatosis, type 1. Last evaluated: 2026-05-15. Review status: criteria provided, single submitter. Criteria: Myriad Autosomal Dominant, Autosomal Recessive and X-Linked Classification Criteria (2023). Collection method: clinical testing. Allele origin: unknown.
Comment: This variant is considered benign. This variant is a silent/synonymous amino acid change and it is not expected to impact splicing.

Labcorp Genetics (formerly Invitae), Labcorp
Classification: Likely benign for Neurofibromatosis, type 1. Last evaluated: 2025-12-28. Review status: criteria provided, single submitter. Criteria: Invitae Variant Classification Sherloc (09022015). Collection method: clinical testing. Allele origin: germline.

Genome-Nilou Lab
Classification: Likely benign for Neurofibromatosis, type 1. Last evaluated: 2022-03-15. Review status: criteria provided, single submitter. Criteria: ACMG Guidelines, 2015. Collection method: clinical testing. Allele origin: germline. Affected: no.

GeneDx
Classification: Likely benign. Last evaluated: 2021-04-13. Review status: criteria provided, single submitter. Criteria: GeneDx Variant Classification Process June 2021. Collection method: clinical testing. Allele origin: germline. Affected: yes.

Sema4
Classification: Likely benign for Hereditary cancer-predisposing syndrome. Last evaluated: 2020-09-01. Review status: criteria provided, single submitter. Criteria: Sema4 Curation Guidelines. Collection method: curation. Allele origin: germline.

Ambry Genetics
Classification: Likely benign for Cardiovascular phenotype; Hereditary cancer-predisposing syndrome. Last evaluated: 2018-01-04. Review status: criteria provided, single submitter. Criteria: Ambry Variant Classification Scheme 2023. Collection method: clinical testing. Allele origin: germline.

NM_001042492.3(NF1):c.1290T>C (p.Asp430=)

Gene: NF1 (neurofibromin 1; plus strand). Cytogenetic location: 17q11.2.
Variant type: single nucleotide variant.
Coding change: c.1290T>C on transcript NM_001042492.3 (MANE Select); coding-DNA position 1290, T replaced by C.
Protein change: p.Asp430=; no amino-acid change (aspartic acid 430 retained).
Molecular consequence: synonymous variant.
Genome position (GRCh38, 1-based): chr17:31,206,269, T>C. VCF-style: chr17-31206269-T-C. GRCh37 (hg19) VCF-style: chr17-29533287-T-C.
Other names: c.1290T>C, p.Asp430= (NM_000267.4, NM_001128147.3).
Identifiers: ClinVar variation 705533 (VCV000705533.17), dbSNP rs766688203, ClinGen allele CA8485745.